The following is an entry in ClinVar:

ClinVar aggregate classification (germline): Uncertain significance (1 of 4 stars; one submission).

Conditions:
Cardiomyopathy (CMYO). Also called: Cardiomyopathies. Identifiers: Orphanet 167848, MedGen C0878544, MONDO:0004994, HP:0001638. Inheritance: Various modes of inheritance.

Submission:

Color Diagnostics, LLC DBA Color Health
Classification: Uncertain significance for Cardiomyopathy. Last evaluated: 2025-09-22. Review status: criteria provided, single submitter. Criteria: ACMG Guidelines, 2015. Collection method: clinical testing. Allele origin: germline.
Comment: This missense variant replaces serine with tyrosine at codon 457 of the DSG2 protein. Computational prediction suggests that this variant may not impact protein structure and function. To our knowledge, functional studies have not been reported for this variant. This variant has not been reported in individuals affected with DSG2-related disorders in the literature. This variant has not been identified in the general population by the Genome Aggregation Database (gnomAD). The available evidence is insufficient to determine the role of this variant in disease conclusively. Therefore, this variant is classified as a Variant of Uncertain Significance.

NM_001943.5(DSG2):c.1370C>A (p.Ser457Tyr)

Gene: DSG2 (desmoglein 2; plus strand). Cytogenetic location: 18q12.1.
Variant type: single nucleotide variant.
Coding change: c.1370C>A on transcript NM_001943.5 (MANE Select); coding-DNA position 1370, C replaced by A.
Protein change: p.Ser457Tyr; replaces serine 457 with tyrosine.
Molecular consequence: missense variant.
Genome position (GRCh38, 1-based): chr18:31,535,359, C>A. VCF-style: chr18-31535359-C-A. GRCh37 (hg19) VCF-style: chr18-29115322-C-A.
Other names: short protein forms S457Y.
Identifiers: ClinVar variation 4756443 (VCV004756443.1).